The following is an entry in ClinVar:

ClinVar aggregate classification (germline): Conflicting classifications of pathogenicity. Review status: criteria provided, conflicting classifications (1 of 4 stars). 3 submissions from 3 submitters: Uncertain significance (2); Likely benign (1). Last evaluated 2026-02-11.

Conditions:
Neonatal-onset encephalopathy with rigidity and seizures. Also called: Lethal neonatal spasticity-epileptic encephalopathy syndrome. Identifiers: Orphanet 435845, MedGen C3281029, MONDO:0013784, OMIM 614498.
Inborn genetic diseases. Identifiers: MedGen C0950123, MeSH D030342.

Allele frequency attached by ClinVar (database versions not stated): gnomAD 0.00006; TOPMed 0.00007.
gnomAD v4.1: 49 of 1,608,746 alleles (0.003%); highest among the groups gnomAD compares: Admixed American, 0.061%; no homozygotes.

Submissions (3):

Ambry Genetics
Classification: Uncertain significance for Inborn genetic diseases. Last evaluated: 2026-02-11. Review status: criteria provided, single submitter. Criteria: Ambry Variant Classification Scheme 2023. Collection method: clinical testing. Allele origin: germline.
Comment: The c.1498+6G>A intronic alteration consists of a G to A substitution 6 nucleotides after exon 11 (coding exon 10) of the BRAT1 gene. Based on data from gnomAD, the A allele has an overall frequency of 0.01% (27/269296) total alleles studied. The highest observed frequency was 0.07% (24/34372) of Latino alleles. In silico splice site analysis predicts that this alteration will not have any significant effect on splicing. Based on insufficient or conflicting evidence, the clinical significance of this alteration remains unclear.

Labcorp Genetics (formerly Invitae), Labcorp
Classification: Uncertain significance for Neonatal-onset encephalopathy with rigidity and seizures. Last evaluated: 2022-10-24. Review status: criteria provided, single submitter. Criteria: Invitae Variant Classification Sherloc (09022015). Collection method: clinical testing. Allele origin: germline.
Comment: This sequence change falls in intron 11 of the BRAT1 gene. It does not directly change the encoded amino acid sequence of the BRAT1 protein. It affects a nucleotide within the consensus splice site. This variant is present in population databases (rs758246723, gnomAD 0.07%). This variant has not been reported in the literature in individuals affected with BRAT1-related conditions. ClinVar contains an entry for this variant (Variation ID: 848791). Variants that disrupt the consensus splice site are a relatively common cause of aberrant splicing (PMID: 17576681, 9536098). Algorithms developed to predict the effect of sequence changes on RNA splicing suggest that this variant is not likely to affect RNA splicing. In summary, the available evidence is currently insufficient to determine the role of this variant in disease. Therefore, it has been classified as a Variant of Uncertain Significance.

GeneDx
Classification: Likely benign. Last evaluated: 2020-01-08. Review status: criteria provided, single submitter. Criteria: GeneDx Variant Classification Process June 2021. Collection method: clinical testing. Allele origin: germline. Affected: yes.

Literature cited by the submitters: PubMed 17576681 (cited by Labcorp Genetics (formerly Invitae), Labcorp); PubMed 9536098 (cited by Labcorp Genetics (formerly Invitae), Labcorp).

NM_152743.4(BRAT1):c.1498+6G>A

Gene: BRAT1 (BRCA1 associated ATM activator 1; minus strand). Cytogenetic location: 7p22.3.
Variant type: single nucleotide variant.
Coding change: c.1498+6G>A on transcript NM_152743.4 (MANE Select); 6 bases into the intron after coding-DNA position 1498, G replaced by A.
Molecular consequence: intron variant.
Genome position (GRCh38, 1-based): chr7:2,539,780, C>T on the plus strand (G>A on the coding strand, the complement: BRAT1 is on the minus strand). VCF-style: chr7-2539780-C-T. GRCh37 (hg19) VCF-style: chr7-2579414-C-T.
Other names: c.973+6G>A (NM_001350627.2); c.1498+6G>A (NM_001350626.2).
Identifiers: ClinVar variation 848791 (VCV000848791.8), dbSNP rs758246723, ClinGen allele CA4127724.